The following is an entry in ClinVar:

ClinVar aggregate classification (germline): Pathogenic (1 of 4 stars; one submission).

Conditions:
Telangiectasia, hereditary hemorrhagic, type 1 (HHT1). Also called: Osler Weber Rendu syndrome type 1; ENG-Related Hereditary Hemorrhagic Telangiectasia. Identifiers: Orphanet 774, MedGen C4551861, MONDO:0008535, OMIM 187300. Disease mechanism: loss of function.

Submission:

NIHR Bioresource Rare Diseases, University of Cambridge
Classification: Pathogenic for Telangiectasia, hereditary hemorrhagic, type 1. Last evaluated: 2018-01-01. Review status: criteria provided, single submitter. Criteria: ACMG Guidelines, 2015. Collection method: research. Allele origin: unknown. Affected: yes. Observed: 1 variant allele.
Comment: PVS1+PM2+PP4

Literature cited by the submitters: PubMed 32573726.

NM_001114753.3(ENG):c.1490dup (p.Leu497fs)

Genes: ENG (endoglin; minus strand), LOC102723566 (uncharacterized LOC102723566; plus strand). Cytogenetic location: 9q34.11.
Variant type: Duplication.
Coding change: c.1490dup on transcript NM_001114753.3 (MANE Select); coding-DNA position 1490, one base duplicated (T; older notation c.1490dupT).
Protein change: p.Leu497fs; shifts the reading frame from leucine 497.
Molecular consequence: frameshift variant. On other transcripts: non-coding transcript variant (1).
Genome position (GRCh38, 1-based): chr9:127,818,316, A duplicated on the plus strand (T on the coding strand, the reverse complement: ENG is on the minus strand); the first of 2 consecutive A bases (chr9:127,818,316-127,818,317); duplicating either gives the same sequence. VCF-style (leftmost placement, unchanged base first): chr9-127818315-C-CA. GRCh37 (hg19) VCF-style: chr9-130580594-C-CA.
Other names: c.1490_1491insT (NM_000118.3); c.1489dup, p.Leu497Phefs (NM_000118.4); c.944dup, p.Leu315fs (NM_001278138.2); short protein forms L315fs, L497fs.
Identifiers: ClinVar variation 982466 (VCV000982466.3), dbSNP rs1830384514, ClinGen allele CA1139659932.